The following is an entry in ClinVar:

ClinVar aggregate classification (germline): Uncertain significance (1 of 4 stars; one submission).

Conditions:
Gastrointestinal stromal tumor. Also called: Gastrointestinal stromal tumor, somatic; Gastrointestinal stroma tumor. Identifiers: Orphanet 44890, MedGen C0238198, MeSH D046152, MONDO:0011719, OMIM 606764, HP:0100723.

Submission:

Labcorp Genetics (formerly Invitae), Labcorp
Classification: Uncertain significance for Gastrointestinal stromal tumor. Last evaluated: 2020-07-07. Review status: criteria provided, single submitter. Criteria: Invitae Variant Classification Sherloc (09022015). Collection method: clinical testing. Allele origin: germline.
Comment: In summary, the available evidence is currently insufficient to determine the role of this variant in disease. Therefore, it has been classified as a Variant of Uncertain Significance. Algorithms developed to predict the effect of missense changes on protein structure and function (SIFT, PolyPhen-2, Align-GVGD) all suggest that this variant is likely to be disruptive, but these predictions have not been confirmed by published functional studies and their clinical significance is uncertain. This variant has not been reported in the literature in individuals with KIT-related conditions. This variant is not present in population databases (ExAC no frequency). This sequence change replaces asparagine with serine at codon 705 of the KIT protein (p.Asn705Ser). The asparagine residue is highly conserved and there is a small physicochemical difference between asparagine and serine.

NM_000222.3(KIT):c.2114A>G (p.Asn705Ser)

Gene: KIT (KIT proto-oncogene, receptor tyrosine kinase; plus strand). Cytogenetic location: 4q12.
Variant type: single nucleotide variant.
Coding change: c.2114A>G on transcript NM_000222.3 (MANE Select); coding-DNA position 2114, A replaced by G.
Protein change: p.Asn705Ser; replaces asparagine 705 with serine.
Molecular consequence: missense variant.
Genome position (GRCh38, 1-based): chr4:54,729,458, A>G. VCF-style: chr4-54729458-A-G. GRCh37 (hg19) VCF-style: chr4-55595624-A-G.
Other names: c.2102A>G, p.Asn701Ser (NM_001093772.2, NM_001385286.1); c.2117A>G, p.Asn706Ser (NM_001385284.1, NM_001385290.1); c.2114A>G, p.Asn705Ser (NM_001385285.1); c.2105A>G, p.Asn702Ser (NM_001385288.1, NM_001385292.1); short protein forms N701S, N702S, N705S, N706S.
Identifiers: ClinVar variation 1039886 (VCV001039886.9), dbSNP rs1722449103, ClinGen allele CA356909808.